The following is an entry in ClinVar:

ClinVar aggregate classification (germline): Conflicting classifications of pathogenicity. Review status: criteria provided, conflicting classifications (1 of 4 stars). 4 submissions from 4 submitters: Uncertain significance (3); Likely benign (1). Last evaluated 2025-12-21.

Conditions:
Cardiovascular phenotype. Identifiers: MedGen CN230736.
Cardiomyopathy (CMYO). Also called: Cardiomyopathies. Identifiers: Orphanet 167848, MedGen C0878544, MONDO:0004994, HP:0001638. Inheritance: Various modes of inheritance.
Catecholaminergic polymorphic ventricular tachycardia 1. Also called: VENTRICULAR TACHYCARDIA, STRESS-INDUCED POLYMORPHIC 1; VENTRICULAR TACHYCARDIA, CATECHOLAMINERGIC POLYMORPHIC, 1, WITH OR WITHOUT ATRIAL DYSFUNCTION AND/OR DILATED CARDIOMYOPATHY; RYR2-Related Catecholaminergic Polymorphic Ventricular Tachycardia. Identifiers: Orphanet 3286, MedGen C1631597, MONDO:0011484, OMIM 604772.

Allele frequency attached by ClinVar (database versions not stated): gnomAD below 0.00001 and 0.00001.
gnomAD v4.1: 39 of 1,612,488 alleles (0.0024%); highest among the groups gnomAD compares: South Asian, 0.041%; 1 homozygote.

Submissions (4):

Ambry Genetics
Classification: Uncertain significance for Cardiovascular phenotype. Last evaluated: 2025-12-21. Review status: criteria provided, single submitter. Criteria: Ambry Variant Classification Scheme 2023. Collection method: clinical testing. Allele origin: germline.
Comment: The p.K4543E variant (also known as c.13627A>G), located in coding exon 94 of the RYR2 gene, results from an A to G substitution at nucleotide position 13627. The lysine at codon 4543 is replaced by glutamic acid, an amino acid with similar properties. This amino acid position is conserved. In addition, this alteration is predicted to be tolerated by in silico analysis. Based on the available evidence, the clinical significance of this variant remains unclear.

GeneDx
Classification: Uncertain significance. Last evaluated: 2025-03-21. Review status: criteria provided, single submitter. Criteria: GeneDx Variant Classification Process June 2021. Collection method: clinical testing. Allele origin: germline. Affected: yes.
Comment: In silico analysis indicates that this missense variant does not alter protein structure/function; Has not been previously published as pathogenic or benign to our knowledge; Located in one of the three hot-spot regions of the RYR2 gene, where the majority of pathogenic missense variants occur (PMID: 19926015); This variant is associated with the following publications: (PMID: 19926015)

Color Diagnostics, LLC DBA Color Health
Classification: Uncertain significance for Cardiomyopathy. Last evaluated: 2023-12-05. Review status: criteria provided, single submitter. Criteria: ACMG Guidelines, 2015. Collection method: clinical testing. Allele origin: germline.
Comment: This missense variant replaces lysine with glutamic acid at codon 4543 of the RYR2 protein. Computational prediction tools and conservation analyses suggest that this variant may not impact the protein function. Computational splicing tools suggest that this variant may not impact RNA splicing. To our knowledge, functional assays have not been performed for this variant nor has this variant been reported in individuals affected with cardiovascular disorders in the literature. This variant has been identified in 16/246306 chromosomes in the general population by the Genome Aggregation Database (gnomAD). Available evidence is insufficient to determine the role of this variant in disease conclusively. Therefore, this variant is classified as a Variant of Uncertain Significance.

Labcorp Genetics (formerly Invitae), Labcorp
Classification: Likely benign for Catecholaminergic polymorphic ventricular tachycardia 1. Last evaluated: 2022-09-24. Review status: criteria provided, single submitter. Criteria: Invitae Variant Classification Sherloc (09022015). Collection method: clinical testing. Allele origin: germline.

NM_001035.3(RYR2):c.13627A>G (p.Lys4543Glu)

Gene: RYR2 (ryanodine receptor 2; plus strand). Cytogenetic location: 1q43.
Variant type: single nucleotide variant.
Coding change: c.13627A>G on transcript NM_001035.3 (MANE Select); coding-DNA position 13627, A replaced by G.
Protein change: p.Lys4543Glu; replaces lysine 4543 with glutamic acid.
Molecular consequence: missense variant.
Genome position (GRCh38, 1-based): chr1:237,792,168, A>G. VCF-style: chr1-237792168-A-G. GRCh37 (hg19) VCF-style: chr1-237955468-A-G.
Other names: c.13627A>G (NM_001035.2); short protein forms K4543E.
Identifiers: ClinVar variation 921888 (VCV000921888.11), dbSNP rs745869007, ClinGen allele CA085424.
Genomic context (GRCh38, chr1:237,792,168, plus strand): 5'-TCCACTTCTTCTGTGGTTGAAGGAAAGGAGCTCCCCACGAGAAGTTCAAGTGAAAATGCC[A>G]AAGTGACAAGCCTGGACAGCAGCTCCCATAGAATCATCGCAGTTCACTATGTACTAGAGG-3'
Protein context (NP_001026.2, residues 4533-4553): LPTRSSSENA[Lys4543Glu]VTSLDSSSHR